The following is an entry in ClinVar:

ClinVar aggregate classification (germline): Uncertain significance. Review status: criteria provided, multiple submitters, no conflicts (2 of 4 stars). 3 submissions from 3 submitters: Uncertain significance (3). Last evaluated 2024-11-27.

Conditions:
Malignant hyperthermia, susceptibility to, 1 (MHS1). Also called: Anesthesia related hyperthermia; Malignant hyperpyrexia; Fulminating hyperpyrexia; Pharmacogenic myopathy; RYR1-Related Malignant Hyperthermia Susceptibility; Malignant hyperthermia suceptibility 1. Identifiers: Orphanet 423, MedGen C2930980, MONDO:0007783, OMIM 145600.

Allele frequency attached by ClinVar (database versions not stated): gnomAD 0.00001; gnomAD exomes 0.00001; ExAC 0.00002.
gnomAD v4.1: 10 of 1,613,840 alleles (0.00062%); highest among the groups gnomAD compares: East Asian, 0.0045%; no homozygotes.

Submissions (3):

GeneDx
Classification: Uncertain significance. Last evaluated: 2024-11-27. Review status: criteria provided, single submitter. Criteria: GeneDx Variant Classification Process June 2021. Collection method: clinical testing. Allele origin: germline. Affected: yes.
Comment: Not observed at significant frequency in large population cohorts (gnomAD); In silico analysis supports that this missense variant has a deleterious effect on protein structure/function; Has not been previously published as pathogenic or benign to our knowledge

All of Us Research Program, National Institutes of Health
Classification: Uncertain significance for Malignant hyperthermia, susceptibility to, 1. Last evaluated: 2024-07-29. Review status: criteria provided, single submitter. Criteria: ACMG Guidelines, 2015. Collection method: clinical testing. Allele origin: germline. Inheritance: Autosomal dominant inheritance. Observed: 7 variant alleles, 7 heterozygotes.
Comment: This missense variant replaces arginine with glutamine at codon 2028 of the RYR1 protein. Computational prediction suggests that this variant may not impact protein structure and function (internally defined REVEL score threshold <= 0.5, PMID: 27666373). To our knowledge, functional studies have not been reported for this variant. This variant has not been reported in individuals affected with RYR1-related disorders in the literature. This variant has been identified in 2/251450 chromosomes in the general population by the Genome Aggregation Database (gnomAD). The available evidence is insufficient to determine the role of this variant in disease conclusively. Therefore, this variant is classified as a Variant of Uncertain Significance.

This study involves interpretation of variants in research participants for the purpose of population health screening. Participant phenotype was not available at the time of variant classification. Additional details can be found in publication PMID: 35346344, PMCID: PMC8962531

Color Diagnostics, LLC DBA Color Health
Classification: Uncertain significance for Malignant hyperthermia, susceptibility to, 1. Last evaluated: 2024-04-24. Review status: criteria provided, single submitter. Criteria: ACMG Guidelines, 2015. Collection method: clinical testing. Allele origin: germline.
Comment: This missense variant replaces arginine with glutamine at codon 2028 of the RYR1 protein. Computational prediction suggests that this variant may not impact protein structure and function. To our knowledge, functional studies have not been reported for this variant. This variant has not been reported in individuals affected with RYR1-related disorders in the literature. This variant has been identified in 2/251450 chromosomes in the general population by the Genome Aggregation Database (gnomAD). The available evidence is insufficient to determine the role of this variant in disease conclusively. Therefore, this variant is classified as a Variant of Uncertain Significance.

NM_000540.3(RYR1):c.6083G>A (p.Arg2028Gln)

Gene: RYR1 (ryanodine receptor 1; plus strand). Cytogenetic location: 19q13.2.
Variant type: single nucleotide variant.
Coding change: c.6083G>A on transcript NM_000540.3 (MANE Select); coding-DNA position 6083, G replaced by A.
Protein change: p.Arg2028Gln; replaces arginine 2028 with glutamine.
Molecular consequence: missense variant.
Genome position (GRCh38, 1-based): chr19:38,490,688, G>A. VCF-style: chr19-38490688-G-A. GRCh37 (hg19) VCF-style: chr19-38981328-G-A.
Other names: c.6083G>A, p.Arg2028Gln (NM_001042723.2); short protein forms R2028Q.
Identifiers: ClinVar variation 3070652 (VCV003070652.4), dbSNP rs747050942, ClinGen allele CA067735.